The following is an entry in ClinVar:

ClinVar aggregate classification (germline): Uncertain significance (1 of 4 stars; one submission).

Conditions:
GNAS-related disorder. Identifiers: MedGen CN380105.

gnomAD v4.1: 2 of 1,611,460 alleles (0.00012%); highest among the groups gnomAD compares: Non-Finnish European, 0.00017%; no homozygotes.

Submission:

PreventionGenetics, part of Exact Sciences
Classification: Uncertain significance for GNAS-related condition. Last evaluated: 2024-10-11. Review status: criteria provided, single submitter. Criteria: ACMG Guidelines, 2015. Collection method: clinical testing. Allele origin: germline.
Comment: The GNAS c.751G>A variant is predicted to result in the amino acid substitution p.Gly251Ser. To our knowledge, this variant has not been reported in the literature or in a large population database (gnomAD), indicating this variant is rare. At this time, the clinical significance of this variant is uncertain due to the absence of conclusive functional and genetic evidence.

NM_080425.4(GNAS):c.751G>A (p.Gly251Ser)

Gene: GNAS (GNAS complex locus; plus strand). Cytogenetic location: 20q13.32.
Variant type: single nucleotide variant.
Coding change: c.751G>A on transcript NM_080425.4 (MANE Plus Clinical); coding-DNA position 751, G replaced by A.
Protein change: p.Gly251Ser; replaces glycine 251 with serine.
Molecular consequence: missense variant. On other transcripts: synonymous variant (2), intron variant (3).
Genome position (GRCh38, 1-based): chr20:58,854,016, G>A. VCF-style: chr20-58854016-G-A. GRCh37 (hg19) VCF-style: chr20-57429071-G-A.
Other names: c.564G>A, p.Thr188= (NM_001077490.3, NM_001309883.1); c.751G>A, p.Gly251Ser (NM_001410913.1); c.*42+13130G>A (NM_016592.5); c.43+13130G>A (NM_001410912.1); c.-39+12141G>A (NM_001309861.2); short protein forms G251S.
Identifiers: ClinVar variation 4986499 (VCV004986499.1).